The following is an entry in ClinVar:

ClinVar aggregate classification (germline): Conflicting classifications of pathogenicity. Review status: criteria provided, conflicting classifications (1 of 4 stars). 2 submissions from 2 submitters: Uncertain significance (1); Likely benign (1). Last evaluated 2021-06-18.

Conditions:
Inborn genetic diseases. Identifiers: MedGen C0950123, MeSH D030342.

Allele frequency attached by ClinVar (database versions not stated): TOPMed below 0.00001.
gnomAD v4.1: 4 of 1,614,044 alleles (0.00025%); highest among the groups gnomAD compares: South Asian, 0.0022%; no homozygotes.

Submissions (2):

Ambry Genetics
Classification: Likely benign for Inborn genetic diseases. Last evaluated: 2021-06-18. Review status: criteria provided, single submitter. Criteria: Ambry Variant Classification Scheme 2023. Collection method: clinical testing. Allele origin: germline.

GeneDx
Classification: Uncertain significance. Last evaluated: 2021-03-29. Review status: criteria provided, single submitter. Criteria: GeneDx Variant Classification Process June 2021. Collection method: clinical testing. Allele origin: germline. Affected: yes.
Comment: Not observed in large population cohorts (Lek et al., 2016); In silico analysis supports that this missense variant does not alter protein structure/function; Has not been previously published as pathogenic or benign to our knowledge

NM_014141.6(CNTNAP2):c.1411A>G (p.Ile471Val)

Gene: CNTNAP2 (contactin associated protein 2; plus strand). Cytogenetic location: 7q35.
Variant type: single nucleotide variant.
Coding change: c.1411A>G on transcript NM_014141.6 (MANE Select); coding-DNA position 1411, A replaced by G.
Protein change: p.Ile471Val; replaces isoleucine 471 with valine.
Molecular consequence: missense variant.
Genome position (GRCh38, 1-based): chr7:147,300,203, A>G. VCF-style: chr7-147300203-A-G. GRCh37 (hg19) VCF-style: chr7-146997295-A-G.
Other names: short protein forms I471V.
Identifiers: ClinVar variation 1316086 (VCV001316086.4), dbSNP rs1286176571, ClinGen allele CA369925168.